The following is an entry in ClinVar:

NM_018896.5(CACNA1G):c.4482T>G (p.Asp1494Glu)

Gene: CACNA1G (calcium voltage-gated channel subunit alpha1 G; plus strand). Cytogenetic location: 17q21.33.
Variant type: single nucleotide variant.
Coding change: c.4482T>G on transcript NM_018896.5 (MANE Select); coding-DNA position 4482, T replaced by G.
Protein change: p.Asp1494Glu; replaces aspartic acid 1494 with glutamic acid.
Molecular consequence: missense variant. On other transcripts: non-coding transcript variant (5).
Genome position (GRCh38, 1-based): chr17:50,606,959, T>G. VCF-style: chr17-50606959-T-G. GRCh37 (hg19) VCF-style: chr17-48684320-T-G.
Other names: c.4482T>G, p.Asp1494Glu (NM_001256324.2, NM_198380.3, NM_198384.3 and 16 more transcripts); c.4413T>G, p.Asp1471Glu (NM_198382.3, NM_198383.3, NM_198387.3 and 5 more transcripts); short protein forms D1471E, D1494E.
Identifiers: ClinVar variation 5017094 (VCV005017094.1).
Genomic context (GRCh38, chr17:50,606,959, plus strand): 5'-GGCCCTGATGTCCCTGTTCGTTTTGGCCTCCAAGGATGGTTGGGTGGACATCATGTACGA[T>G]GGGCTGGATGCTGTGGGCGTGGACCAGCAGGTAGGGCTGAGGTGGGCAGGATCCATCTGT-3'
Protein context (NP_061496.2, residues 1484-1504): SKDGWVDIMY[Asp1494Glu]GLDAVGVDQQ

ClinVar aggregate classification (germline): Uncertain significance (1 of 4 stars; one submission).

Submission:

GeneDx
Classification: Uncertain significance. Last evaluated: 2026-03-26. Review status: criteria provided, single submitter. Criteria: GeneDx Variant Classification Process June 2021. Collection method: clinical testing. Allele origin: germline.
Comment: Not observed at significant frequency in large population cohorts (gnomAD); In silico analysis supports that this missense variant has a deleterious effect on protein structure/function; Has not been previously published as pathogenic or benign to our knowledge